The following is an entry in ClinVar:

NM_031448.6(C19orf12):c.419A>T (p.Asp140Val)

Gene: C19orf12 (chromosome 19 open reading frame 12; minus strand). Cytogenetic location: 19q12.
Variant type: single nucleotide variant.
Coding change: c.419A>T on transcript NM_031448.6 (MANE Select); coding-DNA position 419, A replaced by T.
Protein change: p.Asp140Val; replaces aspartic acid 140 with valine.
Molecular consequence: missense variant. On other transcripts: 3 prime UTR variant (1).
Genome position (GRCh38, 1-based): chr19:29,702,719, T>A on the plus strand (A>T on the coding strand, the complement: C19orf12 is on the minus strand). VCF-style: chr19-29702719-T-A. GRCh37 (hg19) VCF-style: chr19-30193626-T-A.
Other names: c.419A>T, p.Asp140Val (NM_001031726.4, NM_001256047.2); c.*40A>T (NM_001256046.3); c.227A>T, p.Asp76Val (NM_001282929.1, NM_001282930.3, NM_001282931.3); short protein forms D140V, D76V.
Identifiers: ClinVar variation 4715207 (VCV004715207.1).
Genomic context (GRCh38, chr19:29,702,719, plus strand): 5'-TTCAGAATCACAGAGTCATTTAAAGGGGCCCCCCACCTCCCCGGAGGTGCGGCCTAGTCA[T>A]CATACTGGATCTCGGCCCGCAGCTCCTTGGTGACGTAGTTCACCAGCATGGCCAGCAGCT-3'
Protein context (NP_113636.2, residues 130-141): TKELRAEIQY[Asp140Val]D

ClinVar aggregate classification (germline): Uncertain significance (1 of 4 stars; one submission).

Conditions:
Hereditary spastic paraplegia 43. Also called: Spastic paraplegia 43, autosomal recessive. Identifiers: Orphanet 320370, MedGen C2680446, MONDO:0014024, OMIM 615043.

Submission:

Labcorp Genetics (formerly Invitae), Labcorp
Classification: Uncertain significance for Hereditary spastic paraplegia 43. Last evaluated: 2025-03-22. Review status: criteria provided, single submitter. Criteria: Invitae Variant Classification Sherloc (09022015). Collection method: clinical testing. Allele origin: germline.
Comment: This sequence change replaces aspartic acid, which is acidic and polar, with valine, which is neutral and non-polar, at codon 151 of the C19orf12 protein (p.Asp151Val). This variant is not present in population databases (gnomAD no frequency). This variant has not been reported in the literature in individuals affected with C19orf12-related conditions. An algorithm developed to predict the effect of missense changes on protein structure and function (PolyPhen-2) suggests that this variant is likely to be disruptive. Algorithms developed to predict the effect of sequence changes on RNA splicing suggest that this variant may create or strengthen a splice site. In summary, the available evidence is currently insufficient to determine the role of this variant in disease. Therefore, it has been classified as a Variant of Uncertain Significance.